The following is an entry in ClinVar:

ClinVar aggregate classification (germline): Likely benign (1 of 4 stars; one submission).

Allele frequency attached by ClinVar (database versions not stated): gnomAD 0.00001; ExAC 0.00002; gnomAD exomes 0.00005.
gnomAD v4.1: 69 of 1,614,024 alleles (0.0043%); highest among the groups gnomAD compares: Non-Finnish European, 0.0054%; no homozygotes.

Submission:

CeGaT Center for Human Genetics Tuebingen
Classification: Likely benign. Last evaluated: 2022-12-01. Review status: criteria provided, single submitter. Criteria: CeGaT Center For Human Genetics Tuebingen Variant Classification Criteria Version 2. Collection method: clinical testing. Allele origin: germline. Affected: yes. Observed: 1 variant allele.
Comment: TCOF1: BP4, BP7

NM_001371623.1(TCOF1):c.3240C>T (p.Leu1080=)

Gene: TCOF1 (treacle ribosome biogenesis factor 1; plus strand). Cytogenetic location: 5q32.
Variant type: single nucleotide variant.
Coding change: c.3240C>T on transcript NM_001371623.1 (MANE Select); coding-DNA position 3240, C replaced by T.
Protein change: p.Leu1080=; no amino-acid change (leucine 1080 retained).
Molecular consequence: synonymous variant. On other transcripts: intron variant (2).
Genome position (GRCh38, 1-based): chr5:150,391,600, C>T. VCF-style: chr5-150391600-C-T. GRCh37 (hg19) VCF-style: chr5-149771163-C-T.
Other names: c.3009C>T, p.Leu1003= (NM_000356.4, NM_001135245.2); c.3240C>T, p.Leu1080= (NM_001135243.2); c.3184-357C>T (NM_001135244.2, NM_001195141.2).
Identifiers: ClinVar variation 2655930 (VCV002655930.24), dbSNP rs776390151, ClinGen allele CA3511449.
Genomic context (GRCh38, chr5:150,391,600, plus strand): 5'-ACAGGTGTCAAAGAAGAACCCAGCTTCCCTCCCACTGACCCAGGCTGCCCTGAAGGTCCT[C>T]GCCCAGAAAGCCAGTGAGGCTCAGCCTCCTGTTGCCAGGACCCAGCCTTCAAGTGGGGTG-3'
Protein context (NP_001358552.1, residues 1070-1090): LPLTQAALKV[Leu1080=]AQKASEAQPP